The following is an entry in ClinVar:

NM_005051.3(QARS1):c.441del (p.Leu148fs)

Gene: QARS1 (glutaminyl-tRNA synthetase 1; minus strand). Cytogenetic location: 3p21.31.
Variant type: Deletion.
Coding change: c.441del on transcript NM_005051.3 (MANE Select); coding-DNA position 441, one base deleted (G; older notation c.441delG).
Protein change: p.Leu148fs; shifts the reading frame from leucine 148.
Molecular consequence: frameshift variant. On other transcripts: non-coding transcript variant (1).
Genome position (GRCh38, 1-based): chr3:49,103,641, C deleted on the plus strand (G on the coding strand, the reverse complement: QARS1 is on the minus strand); the first of 4 consecutive C bases (chr3:49,103,641-49,103,644); deleting any one gives the same sequence. VCF-style (leftmost placement, unchanged base first): chr3-49103640-GC-G. GRCh37 (hg19) VCF-style: chr3-49141073-GC-G.
Other names: c.408del, p.Leu137fs (NM_001272073.2); short protein forms L137fs, L148fs.
Identifiers: ClinVar variation 1350720 (VCV001350720.6), dbSNP rs2107111718, ClinGen allele CA2573137157.

ClinVar aggregate classification (germline): Pathogenic (1 of 4 stars; one submission).

Conditions:
Diffuse cerebral and cerebellar atrophy - intractable seizures - progressive microcephaly syndrome. Also called: Microcephaly, progressive, with seizures and cerebral and cerebellar atrophy. Identifiers: Orphanet 404437, MedGen C4014239, MONDO:0014335, OMIM 615760.

Submission:

Labcorp Genetics (formerly Invitae), Labcorp
Classification: Pathogenic for Diffuse cerebral and cerebellar atrophy - intractable seizures - progressive microcephaly syndrome. Last evaluated: 2022-10-25. Review status: criteria provided, single submitter. Criteria: Invitae Variant Classification Sherloc (09022015). Collection method: clinical testing. Allele origin: germline.
Comment: ClinVar contains an entry for this variant (Variation ID: 1350720). For these reasons, this variant has been classified as Pathogenic. This variant has not been reported in the literature in individuals affected with QARS-related conditions. This variant is not present in population databases (gnomAD no frequency). This sequence change creates a premature translational stop signal (p.Leu148Cysfs*2) in the QARS gene. It is expected to result in an absent or disrupted protein product. Loss-of-function variants in QARS are known to be pathogenic (PMID: 24656866, 25471517).

Literature cited by the submitters: PubMed 24656866; PubMed 25471517.